The following is an entry in ClinVar:

ClinVar aggregate classification (germline): Uncertain significance. Review status: criteria provided, multiple submitters, no conflicts (2 of 4 stars). 2 submissions from 2 submitters: Uncertain significance (2). Last evaluated 2024-05-20.

Conditions:
Coffin-Siris syndrome 1 (CSS1). Also called: ARID1B-Related Coffin-Siris Syndrome; Mental retardation, autosomal dominant 12. Identifiers: Orphanet 1465, MedGen C3281201, MONDO:0007617, OMIM 135900. Disease mechanism: gain of function.

Allele frequency attached by ClinVar (database versions not stated): gnomAD 0.00002.
gnomAD v4.1: 11 of 1,613,618 alleles (0.00068%); highest among the groups gnomAD compares: African/African-American, 0.0053%; no homozygotes.

Submissions (2):

Labcorp Genetics (formerly Invitae), Labcorp
Classification: Uncertain significance. Last evaluated: 2024-05-20. Review status: criteria provided, single submitter. Criteria: Invitae Variant Classification Sherloc (09022015). Collection method: clinical testing. Allele origin: germline.
Comment: This sequence change replaces asparagine, which is neutral and polar, with serine, which is neutral and polar, at codon 1128 of the ARID1B protein (p.Asn1128Ser). This variant is present in population databases (no rsID available, gnomAD 0.006%). This variant has not been reported in the literature in individuals affected with ARID1B-related conditions. ClinVar contains an entry for this variant (Variation ID: 1033955). Advanced modeling of protein sequence and biophysical properties (such as structural, functional, and spatial information, amino acid conservation, physicochemical variation, residue mobility, and thermodynamic stability) has been performed at Invitae for this missense variant, however the output from this modeling did not meet the statistical confidence thresholds required to predict the impact of this variant on ARID1B protein function. In summary, the available evidence is currently insufficient to determine the role of this variant in disease. Therefore, it has been classified as a Variant of Uncertain Significance.

Baylor Genetics
Classification: Uncertain significance for Coffin-Siris syndrome 1. Last evaluated: 2018-02-01. Review status: criteria provided, single submitter. Criteria: ACMG Guidelines, 2015. Collection method: clinical testing. Allele origin: paternal. Affected: yes.
Comment: This variant was determined to be of uncertain significance according to ACMG Guidelines, 2015 [PMID:25741868].

NM_001374828.1(ARID1B):c.3752A>G (p.Asn1251Ser)

Gene: ARID1B (AT-rich interaction domain 1B; plus strand). Cytogenetic location: 6q25.3.
Variant type: single nucleotide variant.
Coding change: c.3752A>G on transcript NM_001374828.1 (MANE Select); coding-DNA position 3752, A replaced by G.
Protein change: p.Asn1251Ser; replaces asparagine 1251 with serine.
Molecular consequence: missense variant.
Genome position (GRCh38, 1-based): chr6:157,184,268, A>G. VCF-style: chr6-157184268-A-G. GRCh37 (hg19) VCF-style: chr6-157505402-A-G.
Other names: c.1253A>G, p.Asn418Ser (NM_001363725.2); c.3632A>G, p.Asn1211Ser (NM_001371656.1, NM_001374820.1); c.3593A>G, p.Asn1198Ser (NM_017519.3); c.3383A>G (NM_020732.3); short protein forms N1198S, N1251S, N1211S, N418S.
Identifiers: ClinVar variation 1033955 (VCV001033955.10), dbSNP rs1408001716, ClinGen allele CA366230108.
Genomic context (GRCh38, chr6:157,184,268, plus strand): 5'-GATCCTGCCGTGTTTTTCACTAGGTTAATAAAAACAAGAAGTGGCGTGAGCTGGCAACCA[A>G]CCTAAACGTTGGCACCTCAAGCAGTGCAGCGAGCTCCCTGAAAAAGCAGTATATTCAGTA-3'
Protein context (NP_001361757.1, residues 1241-1261): KNKKWRELAT[Asn1251Ser]LNVGTSSSAA